The following is an entry in ClinVar:

ClinVar aggregate classification (germline): Benign/Likely benign. Review status: criteria provided, multiple submitters, no conflicts (2 of 4 stars). 7 submissions from 7 submitters: Benign (3); Likely benign (4). Last evaluated 2026-01-10.

Conditions:
Cardiovascular phenotype. Identifiers: MedGen CN230736.
Dilated cardiomyopathy 1JJ (CMD1JJ). Identifiers: Orphanet 154, MedGen C3808935, MONDO:0014095, OMIM 615235.
Cardiomyopathy (CMYO). Also called: Cardiomyopathies. Identifiers: Orphanet 167848, MedGen C0878544, MONDO:0004994, HP:0001638. Inheritance: Various modes of inheritance.

Allele frequency attached by ClinVar (database versions not stated): ESP Exome Variant Server 0.00008; gnomAD exomes 0.00036 and 0.00150; gnomAD 0.00044 and 0.00058; TOPMed 0.00077; ExAC 0.00133; 1000 Genomes Project 30x 0.00297; 1000 Genomes Project 0.00319.
gnomAD v4.1: 613 of 1,614,084 alleles (0.038%); highest among the groups gnomAD compares: East Asian, 1.2%; 3 homozygotes.

Submissions (7):

Labcorp Genetics (formerly Invitae), Labcorp
Classification: Benign for Dilated cardiomyopathy 1JJ. Last evaluated: 2026-01-10. Review status: criteria provided, single submitter. Criteria: Invitae Variant Classification Sherloc (09022015). Collection method: clinical testing. Allele origin: germline.

Women's Health and Genetics/Laboratory Corporation of America, LabCorp
Classification: Likely benign. Last evaluated: 2023-08-19. Review status: criteria provided, single submitter. Criteria: LabCorp Variant Classification Summary - May 2015. Collection method: clinical testing. Allele origin: germline.

CHEO Genetics Diagnostic Laboratory, Children's Hospital of Eastern Ontario
Classification: Likely benign for Cardiomyopathy. Last evaluated: 2017-07-17. Review status: criteria provided, single submitter. Criteria: ACMG Guidelines, 2015. Collection method: clinical testing. Allele origin: germline. Study: Canadian Open Genetics Repository.

GeneDx
Classification: Benign. Last evaluated: 2016-09-12. Review status: criteria provided, single submitter. Criteria: GeneDx Variant Classification (06012015). Collection method: clinical testing. Allele origin: germline. Affected: yes.
Comment: This variant is considered likely benign or benign based on one or more of the following criteria: it is a conservative change, it occurs at a poorly conserved position in the protein, it is predicted to be benign by multiple in silico algorithms, and/or has population frequency not consistent with disease.

Ambry Genetics
Classification: Benign for Cardiovascular phenotype. Last evaluated: 2015-10-02. Review status: criteria provided, single submitter. Criteria: Ambry Variant Classification Scheme 2023. Collection method: clinical testing. Allele origin: germline.

Laboratory for Molecular Medicine, Mass General Brigham Personalized Medicine
Classification: Likely benign. Last evaluated: 2014-04-09. Review status: criteria provided, single submitter. Criteria: LMM Criteria. Collection method: clinical testing. Allele origin: germline. Observed: 1 variant allele.
Comment: Arg214His in exon 6 of LAMA4: This variant is not expected to have clinical sign ificance because it has been identified in 1.4% (8/572) of Asian chromosomes by the 1000 Genomes Project (dbSNP rs139146419). This is also supported by the lac k of evolutionary conservation of the affected amino acid (of note, gorilla and several bird and frog species have a histidine (His) at this position).

Biesecker Lab/Clinical Genomics Section, National Institutes of Health
Classification: Likely benign. Last evaluated: 2013-06-24. Review status: criteria provided, single submitter. Criteria: Ng et al. (Circ Cardiovasc Genet. 2013). Collection method: research. Allele origin: unknown. Observed: 2 variant alleles. Study: ClinSeq.
Comment: The study set was not selected for affection status in relation to any cancer. Pathogenicity categories were based on literature curation. See Pubmed ID:23861362 for details.

Medical sequencing

NM_001105206.3(LAMA4):c.641G>A (p.Arg214His)

Gene: LAMA4 (laminin subunit alpha 4; minus strand). Cytogenetic location: 6q21.
Variant type: single nucleotide variant.
Coding change: c.641G>A on transcript NM_001105206.3 (MANE Select); coding-DNA position 641, G replaced by A.
Protein change: p.Arg214His; replaces arginine 214 with histidine.
Molecular consequence: missense variant.
Genome position (GRCh38, 1-based): chr6:112,191,713, C>T on the plus strand (G>A on the coding strand, the complement: LAMA4 is on the minus strand). VCF-style: chr6-112191713-C-T. GRCh37 (hg19) VCF-style: chr6-112512915-C-T.
Other names: p.R214H:CGC>CAC; c.641G>A (NM_001105206.2); c.641G>A, p.Arg214His (NM_001105207.3, NM_002290.5); short protein forms R214H.
Identifiers: ClinVar variation 178057 (VCV000178057.21), dbSNP rs139146419, ClinGen allele CA238403.
Genomic context (GRCh38, chr6:112,191,713, plus strand): 5'-ATCCTGGCGTCCCCATAGTAGCCAGGAGCGCAACGTTCACACTTGAATCCGGTGGTGTTG[C>T]GTAAGCAATTCCTACACTGGCCAGTGACTTCATCACAATCTTCAAAGATCAGGTTGGGAT-3'
Protein context (NP_001098676.2, residues 204-224): EVTGQCRNCL[Arg214His]NTTGFKCERC